The following is an entry in ClinVar:

NM_001142800.2(EYS):c.3864C>A (p.Tyr1288Ter)

Gene: EYS (EGF-like photoreceptor maintenance factor; minus strand). Cytogenetic location: 6q12.
Variant type: single nucleotide variant.
Coding change: c.3864C>A on transcript NM_001142800.2 (MANE Select); coding-DNA position 3864, C replaced by A.
Protein change: p.Tyr1288Ter; replaces tyrosine 1288 with a stop codon.
Molecular consequence: nonsense.
Genome position (GRCh38, 1-based): chr6:64,593,130, G>T on the plus strand (C>A on the coding strand, the complement: EYS is on the minus strand). VCF-style: chr6-64593130-G-T. GRCh37 (hg19) VCF-style: chr6-65303023-G-T.
Other names: c.3864C>A, p.Tyr1288Ter (NM_001292009.2); short protein forms Y1288*.
Identifiers: ClinVar variation 4814634 (VCV004814634.2).

ClinVar aggregate classification (germline): Pathogenic/Likely pathogenic. Review status: criteria provided, multiple submitters, no conflicts (2 of 4 stars). 2 submissions from 2 submitters: Pathogenic (1); Likely pathogenic (1). Last evaluated 2026-01-01.

Conditions:
Retinitis pigmentosa 25 (RP25). Identifiers: Orphanet 791, MedGen C1864446, MONDO:0011272, OMIM 602772.

Submissions (2):

Myriad Genetics, Inc.
Classification: Pathogenic for Retinitis pigmentosa 25. Last evaluated: 2026-01-01. Review status: criteria provided, single submitter. Criteria: Myriad Autosomal Dominant, Autosomal Recessive and X-Linked Classification Criteria (2023). Collection method: clinical testing. Allele origin: unknown.
Comment: NM_001142800.1(EYS):c.3864C>A(Y1288*) is expected to be pathogenic in the context of retinitis pigmentosa, EYS-related. This variant is predicted to lead to an abnormal or absent protein product due to the creation of a premature termination codon in EYS, a gene where loss-of-function variants are known to be pathogenic. Please note: this variant was assessed in the context of healthy population screening.

Natera, Inc.
Classification: Likely pathogenic for Retinitis pigmentosa type 25. Last evaluated: 2024-10-31. Review status: criteria provided, single submitter. Criteria: Natera Variant Classification Schema (03/2026). Collection method: clinical testing. Allele origin: germline.
Comment: The c.3864C>A variant in EYS is a nonsense variant predicted to introduce a stop codon at amino acid 1288. This variant is expected to result in nonsense mediated decay, truncation, or a dysfunctional protein product. This variant is rare in the general population with a frequency below the threshold expected for the associated phenotype(s). Given the available evidence, this variant is classified as Likely Pathogenic.